The following is an entry in ClinVar:

ClinVar aggregate classification (germline): Uncertain significance (1 of 4 stars; one submission).

Conditions:
ALG1-congenital disorder of glycosylation. Also called: ALG1-CDG; CDG Ik; CONGENITAL DISORDER OF GLYCOSYLATION, TYPE Ik. Identifiers: Orphanet 79327, MedGen C2931005, MONDO:0012052, OMIM 608540.

Submission:

Labcorp Genetics (formerly Invitae), Labcorp
Classification: Uncertain significance for ALG1-congenital disorder of glycosylation. Last evaluated: 2022-04-22. Review status: criteria provided, single submitter. Criteria: Invitae Variant Classification Sherloc (09022015). Collection method: clinical testing. Allele origin: germline.
Comment: Variants that disrupt the consensus splice site are a relatively common cause of aberrant splicing (PMID: 17576681, 9536098). Algorithms developed to predict the effect of sequence changes on RNA splicing suggest that this variant may disrupt the consensus splice site. This variant has not been reported in the literature in individuals affected with ALG1-related conditions. This variant is not present in population databases (gnomAD no frequency). This sequence change falls in intron 8 of the ALG1 gene. It does not directly change the encoded amino acid sequence of the ALG1 protein. It affects a nucleotide within the consensus splice site. In summary, the available evidence is currently insufficient to determine the role of this variant in disease. Therefore, it has been classified as a Variant of Uncertain Significance.

Literature cited by the submitters: PubMed 17576681; PubMed 9536098.

NM_019109.5(ALG1):c.901+5G>T

Gene: ALG1 (ALG1 chitobiosyldiphosphodolichol beta-mannosyltransferase; plus strand). Cytogenetic location: 16p13.3.
Variant type: single nucleotide variant.
Coding change: c.901+5G>T on transcript NM_019109.5 (MANE Select); 5 bases into the intron after coding-DNA position 901, G replaced by T.
Molecular consequence: intron variant.
Genome position (GRCh38, 1-based): chr16:5,079,107, G>T. VCF-style: chr16-5079107-G-T. GRCh37 (hg19) VCF-style: chr16-5129108-G-T.
Other names: c.568+5G>T (NM_001330504.2).
Identifiers: ClinVar variation 2129282 (VCV002129282.4), dbSNP rs2505864017, ClinGen allele CA2580091206.